The following is an entry in ClinVar:

ClinVar aggregate classification (germline): Uncertain significance. Review status: criteria provided, multiple submitters, no conflicts (2 of 4 stars). 2 submissions from 2 submitters: Uncertain significance (2). Last evaluated 2022-08-09.

Conditions:
Spastic paraplegia. Identifiers: MedGen C0037772, HP:0001258.

Allele frequency attached by ClinVar (database versions not stated): gnomAD 0.00001 and 0.00002; TOPMed 0.00002; ExAC 0.00003; gnomAD exomes 0.00003.
gnomAD v4.1: 23 of 1,613,788 alleles (0.0014%); highest among the groups gnomAD compares: South Asian, 0.016%; no homozygotes.

Submissions (2):

Labcorp Genetics (formerly Invitae), Labcorp
Classification: Uncertain significance for Spastic paraplegia. Last evaluated: 2022-08-09. Review status: criteria provided, single submitter. Criteria: Invitae Variant Classification Sherloc (09022015). Collection method: clinical testing. Allele origin: germline.
Comment: In summary, the available evidence is currently insufficient to determine the role of this variant in disease. Therefore, it has been classified as a Variant of Uncertain Significance. Algorithms developed to predict the effect of missense changes on protein structure and function output the following: SIFT: "Tolerated"; PolyPhen-2: "Benign"; Align-GVGD: "Class C0". The isoleucine amino acid residue is found in multiple mammalian species, which suggests that this missense change does not adversely affect protein function. ClinVar contains an entry for this variant (Variation ID: 452868). This variant has not been reported in the literature in individuals affected with AP4E1-related conditions. This variant is present in population databases (rs774494463, gnomAD 0.02%). This sequence change replaces valine, which is neutral and non-polar, with isoleucine, which is neutral and non-polar, at codon 427 of the AP4E1 protein (p.Val427Ile).

GeneDx
Classification: Uncertain significance. Last evaluated: 2017-10-20. Review status: criteria provided, single submitter. Criteria: GeneDx Variant Classification (06012015). Collection method: clinical testing. Allele origin: germline. Affected: yes.
Comment: The V427I variant has not been published as a pathogenic variant, nor has it been reported as a benign variant to our knowledge. This variant is observed in6/30782 (0.02%) alleles from individuals of South Asian background, in large population cohorts (Lek et al., 2016). The V427I variant is a conservative amino acid substitution, which is not likely to impact secondary protein structure as these residues share similar properties. Additionally, this substitution occurs at a position where amino acids with similar properties to Valine are tolerated across species, and in silico analysis predicts this variant likely does not alter the protein structure/function. Based on the currently available information, it is unclear whether this variant is apathogenic variant or a rare benign variant.

NM_007347.5(AP4E1):c.1279G>A (p.Val427Ile)

Gene: AP4E1 (adaptor related protein complex 4 subunit epsilon 1; plus strand). Cytogenetic location: 15q21.2.
Variant type: single nucleotide variant.
Coding change: c.1279G>A on transcript NM_007347.5 (MANE Select); coding-DNA position 1279, G replaced by A.
Protein change: p.Val427Ile; replaces valine 427 with isoleucine.
Molecular consequence: missense variant.
Genome position (GRCh38, 1-based): chr15:50,948,122, G>A. VCF-style: chr15-50948122-G-A. GRCh37 (hg19) VCF-style: chr15-51240319-G-A.
Other names: c.1054G>A, p.Val352Ile (NM_001252127.2); short protein forms V427I, V352I.
Identifiers: ClinVar variation 452868 (VCV000452868.6), dbSNP rs774494463, ClinGen allele CA7559025.